The following is an entry in ClinVar:

ClinVar aggregate classification (germline): Uncertain significance (1 of 4 stars; one submission).

Allele frequency attached by ClinVar (database versions not stated): gnomAD 0.00001.
gnomAD v4.1: 1 of 1,613,696 alleles (0.000062%); highest among the groups gnomAD compares: Non-Finnish European, 0.000085%; no homozygotes.

Submission:

Labcorp Genetics (formerly Invitae), Labcorp
Classification: Uncertain significance. Last evaluated: 2023-12-11. Review status: criteria provided, single submitter. Criteria: Invitae Variant Classification Sherloc (09022015). Collection method: clinical testing. Allele origin: germline.
Comment: This sequence change replaces valine, which is neutral and non-polar, with alanine, which is neutral and non-polar, at codon 1177 of the SAMD9 protein (p.Val1177Ala). This variant is present in population databases (no rsID available, gnomAD 0.0009%). This variant has not been reported in the literature in individuals affected with SAMD9-related conditions. ClinVar contains an entry for this variant (Variation ID: 1721932). Advanced modeling of protein sequence and biophysical properties (such as structural, functional, and spatial information, amino acid conservation, physicochemical variation, residue mobility, and thermodynamic stability) performed at Invitae indicates that this missense variant is not expected to disrupt SAMD9 protein function with a negative predictive value of 95%. In summary, the available evidence is currently insufficient to determine the role of this variant in disease. Therefore, it has been classified as a Variant of Uncertain Significance.

NM_017654.4(SAMD9):c.3530T>C (p.Val1177Ala)

Gene: SAMD9 (sterile alpha motif domain containing 9; minus strand). Cytogenetic location: 7q21.2.
Variant type: single nucleotide variant.
Coding change: c.3530T>C on transcript NM_017654.4 (MANE Select); coding-DNA position 3530, T replaced by C.
Protein change: p.Val1177Ala; replaces valine 1177 with alanine.
Molecular consequence: missense variant.
Genome position (GRCh38, 1-based): chr7:93,102,568, A>G on the plus strand (T>C on the coding strand, the complement: SAMD9 is on the minus strand). VCF-style: chr7-93102568-A-G. GRCh37 (hg19) VCF-style: chr7-92731881-A-G.
Other names: c.3530T>C, p.Val1177Ala (NM_001193307.2); short protein forms V1177A.
Identifiers: ClinVar variation 1721932 (VCV001721932.5), dbSNP rs1475061694, ClinGen allele CA368184484.